The following is an entry in ClinVar:

ClinVar aggregate classification (germline): Conflicting classifications of pathogenicity. Review status: criteria provided, conflicting classifications (1 of 4 stars). 6 submissions from 6 submitters: Uncertain significance (5); Likely benign (1). Last evaluated 2025-02-06.

Conditions:
Wilson disease (WND). Also called: Wilson's disease. Identifiers: Orphanet 905, MedGen C0019202, MONDO:0010200, OMIM 277900. Disease mechanism: loss of function.

Allele frequency attached by ClinVar (database versions not stated): gnomAD exomes 0.00001; ExAC 0.00002; TOPMed 0.00002; ESP Exome Variant Server 0.00008.

Submissions (6):

GeneDx
Classification: Uncertain significance. Last evaluated: 2025-02-06. Review status: criteria provided, single submitter. Criteria: GeneDx Variant Classification Process June 2021. Collection method: clinical testing. Allele origin: germline. Affected: yes.
Comment: Not observed at significant frequency in large population cohorts (gnomAD); In silico analysis indicates that this missense variant does not alter protein structure/function; Has not been previously published as pathogenic or benign to our knowledge

All of Us Research Program, National Institutes of Health
Classification: Uncertain significance for Wilson disease. Last evaluated: 2024-08-06. Review status: criteria provided, single submitter. Criteria: ACMG Guidelines, 2015. Collection method: clinical testing. Allele origin: germline. Inheritance: Autosomal recessive inheritance. Observed: 7 variant alleles, 7 heterozygotes.
Comment: This missense variant replaces arginine with histidine at codon 27 of the ATP7B protein. Computational prediction suggests that this variant may not impact protein structure and function (internally defined REVEL score threshold <= 0.5, PMID: 27666373). To our knowledge, functional studies have not been reported for this variant. This variant has not been reported in individuals affected with ATP7B-related disorders in the literature. This variant has been identified in 3/249408 chromosomes in the general population by the Genome Aggregation Database (gnomAD). The available evidence is insufficient to determine the role of this variant in disease conclusively. Therefore, this variant is classified as a Variant of Uncertain Significance.

This study involves interpretation of variants in research participants for the purpose of population health screening. Participant phenotype was not available at the time of variant classification. Additional details can be found in publication PMID: 35346344, PMCID: PMC8962531

Color Diagnostics, LLC DBA Color Health
Classification: Uncertain significance for Wilson disease. Last evaluated: 2023-04-06. Review status: criteria provided, single submitter. Criteria: ACMG Guidelines, 2015. Collection method: clinical testing. Allele origin: germline.
Comment: This missense variant replaces arginine with histidine at codon 27 of the ATP7B protein. Computational prediction suggests that this variant may not impact protein structure and function. To our knowledge, functional studies have not been reported for this variant. This variant has not been reported in individuals affected with ATP7B-related disorders in the literature. This variant has been identified in 3/249408 chromosomes in the general population by the Genome Aggregation Database (gnomAD). The available evidence is insufficient to determine the role of this variant in disease conclusively. Therefore, this variant is classified as a Variant of Uncertain Significance.

Blueprint Genetics
Classification: Likely benign. Last evaluated: 2022-11-02. Review status: criteria provided, single submitter. Criteria: ACMG Guidelines, 2015. Collection method: clinical testing. Allele origin: germline.

Labcorp Genetics (formerly Invitae), Labcorp
Classification: Uncertain significance for Wilson disease. Last evaluated: 2021-08-27. Review status: criteria provided, single submitter. Criteria: Invitae Variant Classification Sherloc (09022015). Collection method: clinical testing. Allele origin: germline.
Comment: This sequence change replaces arginine with histidine at codon 27 of the ATP7B protein (p.Arg27His). The arginine residue is moderately conserved and there is a small physicochemical difference between arginine and histidine. This variant is present in population databases (rs371345946, ExAC 0.006%). This variant has not been reported in the literature in individuals affected with ATP7B-related conditions. Algorithms developed to predict the effect of missense changes on protein structure and function output the following: SIFT: "Tolerated"; PolyPhen-2: "Benign"; Align-GVGD: "Class C0". The histidine amino acid residue is found in multiple mammalian species, which suggests that this missense change does not adversely affect protein function. In summary, the available evidence is currently insufficient to determine the role of this variant in disease. Therefore, it has been classified as a Variant of Uncertain Significance.

Illumina Laboratory Services, Illumina
Classification: Uncertain significance for Wilson disease. Last evaluated: 2018-01-13. Review status: criteria provided, single submitter. Criteria: ICSL Variant Classification Criteria 13 December 2019. Collection method: clinical testing. Allele origin: germline.

NM_000053.4(ATP7B):c.80G>A (p.Arg27His)

Gene: ATP7B (ATPase copper transporting beta; minus strand). Cytogenetic location: 13q14.3.
Variant type: single nucleotide variant.
Coding change: c.80G>A on transcript NM_000053.4 (MANE Select); coding-DNA position 80, G replaced by A.
Protein change: p.Arg27His; replaces arginine 27 with histidine.
Molecular consequence: missense variant.
Genome position (GRCh38, 1-based): chr13:51,975,140, C>T on the plus strand (G>A on the coding strand, the complement: ATP7B is on the minus strand). VCF-style: chr13-51975140-C-T. GRCh37 (hg19) VCF-style: chr13-52549276-C-T.
Other names: c.80G>A, p.Arg27His (NM_001005918.3, NM_001243182.2, NM_001330578.2 and 1 more transcripts); short protein forms R27H.
Identifiers: ClinVar variation 881933 (VCV000881933.10), dbSNP rs371345946, ClinGen allele CA6989619.